The following is an entry in ClinVar:

NM_001330078.2(NRXN1):c.49T>G (p.Ser17Ala)

Gene: NRXN1 (neurexin 1; minus strand). Cytogenetic location: 2p16.3.
Variant type: single nucleotide variant.
Coding change: c.49T>G on transcript NM_001330078.2 (MANE Select); coding-DNA position 49, T replaced by G.
Protein change: p.Ser17Ala; replaces serine 17 with alanine.
Molecular consequence: missense variant.
Genome position (GRCh38, 1-based): chr2:51,028,225, A>C on the plus strand (T>G on the coding strand, the complement: NRXN1 is on the minus strand). VCF-style: chr2-51028225-A-C. GRCh37 (hg19) VCF-style: chr2-51255363-A-C.
Other names: c.49T>G, p.Ser17Ala (NM_001330079.2, NM_001330081.2, NM_001330082.2 and 15 more transcripts); short protein forms S17A.
Identifiers: ClinVar variation 1996404 (VCV001996404.4), dbSNP rs2468087092, ClinGen allele CA346824813.
Genomic context (GRCh38, chr2:51,028,225, plus strand): 5'-CGGCGCCCGGAAACTCCAGCCCGCTGCCCAGCTCCGCCCAGCAGCCCAGGAGCAGCAGCG[A>C]GAGGCACAGAAGAAAACAGCCCCCGCGCTGGAGCAGCGCCGTCCCCATGCTCGGGGCTGG-3'
Protein context (NP_001317007.1, residues 7-27): QRGGCFLLCL[Ser17Ala]LLLLGCWAEL

ClinVar aggregate classification (germline): Uncertain significance (1 of 4 stars; one submission).

Conditions:
Pitt-Hopkins-like syndrome 2 (PTHSL2). Identifiers: Orphanet 221150, Orphanet 600663, MedGen C3280479, MONDO:0013690, OMIM 614325.

Submission:

Labcorp Genetics (formerly Invitae), Labcorp
Classification: Uncertain significance for Pitt-Hopkins-like syndrome 2. Last evaluated: 2022-05-19. Review status: criteria provided, single submitter. Criteria: Invitae Variant Classification Sherloc (09022015). Collection method: clinical testing. Allele origin: germline.
Comment: Algorithms developed to predict the effect of missense changes on protein structure and function output the following: SIFT: "Tolerated"; PolyPhen-2: "Benign"; Align-GVGD: "Class C0". The alanine amino acid residue is found in multiple mammalian species, which suggests that this missense change does not adversely affect protein function. In summary, the available evidence is currently insufficient to determine the role of this variant in disease. Therefore, it has been classified as a Variant of Uncertain Significance. This sequence change replaces serine, which is neutral and polar, with alanine, which is neutral and non-polar, at codon 17 of the NRXN1 protein (p.Ser17Ala). This variant is not present in population databases (gnomAD no frequency). This variant has not been reported in the literature in individuals affected with NRXN1-related conditions.